The following is an entry in ClinVar:

NM_004304.5(ALK):c.2648G>A (p.Trp883Ter)

Gene: ALK (ALK receptor tyrosine kinase; minus strand). Cytogenetic location: 2p23.2.
Variant type: single nucleotide variant.
Coding change: c.2648G>A on transcript NM_004304.5 (MANE Select); coding-DNA position 2648, G replaced by A.
Protein change: p.Trp883Ter; replaces tryptophan 883 with a stop codon.
Molecular consequence: nonsense.
Genome position (GRCh38, 1-based): chr2:29,229,051, C>T on the plus strand (G>A on the coding strand, the complement: ALK is on the minus strand). VCF-style: chr2-29229051-C-T. GRCh37 (hg19) VCF-style: chr2-29451917-C-T.
Other names: short protein forms W883*.
Identifiers: ClinVar variation 1055161 (VCV001055161.7), dbSNP rs2148180715, ClinGen allele CA346470082.

ClinVar aggregate classification (germline): Uncertain significance (1 of 4 stars; one submission).

Conditions:
Neuroblastoma, susceptibility to, 3. Also called: ALK-Related Neuroblastic Tumor Susceptibility. Identifiers: Orphanet 635, MedGen C2751681, MONDO:0013083, OMIM 613014.

Submission:

Labcorp Genetics (formerly Invitae), Labcorp
Classification: Uncertain significance for Neuroblastoma, susceptibility to, 3. Last evaluated: 2020-07-16. Review status: criteria provided, single submitter. Criteria: Invitae Variant Classification Sherloc (09022015). Collection method: clinical testing. Allele origin: germline.
Comment: The current clinical and genetic evidence is not sufficient to establish whether loss-of-function variants in ALK cause disease. This variant has not been reported in the literature in individuals with ALK-related conditions. This variant is not present in population databases (ExAC no frequency). This sequence change creates a premature translational stop signal (p.Trp883*) in the ALK gene. It is expected to result in an absent or disrupted protein product. In summary, the available evidence is currently insufficient to determine the role of this variant in disease. Therefore, it has been classified as a Variant of Uncertain Significance.